The following is an entry in ClinVar:

ClinVar aggregate classification (germline): Uncertain significance. Review status: criteria provided, multiple submitters, no conflicts (2 of 4 stars). 2 submissions from 2 submitters: Uncertain significance (2). Last evaluated 2025-11-18.

Conditions:
Hereditary cancer-predisposing syndrome. Also called: Tumor predisposition; Hereditary neoplastic syndrome; Hereditary Cancer Syndrome; Neoplastic Syndromes, Hereditary. Identifiers: Orphanet 140162, MedGen C0027672, MeSH D009386, MONDO:0015356.
Neuroblastoma, susceptibility to, 3. Also called: ALK-Related Neuroblastic Tumor Susceptibility. Identifiers: Orphanet 635, MedGen C2751681, MONDO:0013083, OMIM 613014.

Submissions (2):

Ambry Genetics
Classification: Uncertain significance for Hereditary cancer-predisposing syndrome. Last evaluated: 2025-11-18. Review status: criteria provided, single submitter. Criteria: Ambry Variant Classification Scheme 2023. Collection method: clinical testing. Allele origin: germline.
Comment: The p.V1149M variant (also known as c.3445G>A), located in coding exon 21 of the ALK gene, results from a G to A substitution at nucleotide position 3445. The valine at codon 1149 is replaced by methionine, an amino acid with highly similar properties. This amino acid position is highly conserved in available vertebrate species. In addition, this alteration is predicted to be deleterious by in silico analysis. Based on the available evidence, the clinical significance of this variant remains unclear.

Labcorp Genetics (formerly Invitae), Labcorp
Classification: Uncertain significance for Neuroblastoma, susceptibility to, 3. Last evaluated: 2025-09-01. Review status: criteria provided, single submitter. Criteria: Invitae Variant Classification Sherloc (09022015). Collection method: clinical testing. Allele origin: germline.
Comment: This sequence change replaces valine, which is neutral and non-polar, with methionine, which is neutral and non-polar, at codon 1149 of the ALK protein (p.Val1149Met). This variant is not present in population databases (gnomAD no frequency). This variant has not been reported in the literature in individuals affected with ALK-related conditions. ClinVar contains an entry for this variant (Variation ID: 1961322). An algorithm developed to predict the effect of missense changes on protein structure and function (PolyPhen-2) suggests that this variant is likely to be disruptive. In summary, the available evidence is currently insufficient to determine the role of this variant in disease. Therefore, it has been classified as a Variant of Uncertain Significance.

NM_004304.5(ALK):c.3445G>A (p.Val1149Met)

Gene: ALK (ALK receptor tyrosine kinase; minus strand). Cytogenetic location: 2p23.2.
Variant type: single nucleotide variant.
Coding change: c.3445G>A on transcript NM_004304.5 (MANE Select); coding-DNA position 3445, G replaced by A.
Protein change: p.Val1149Met; replaces valine 1149 with methionine.
Molecular consequence: missense variant.
Genome position (GRCh38, 1-based): chr2:29,222,522, C>T on the plus strand (G>A on the coding strand, the complement: ALK is on the minus strand). VCF-style: chr2-29222522-C-T. GRCh37 (hg19) VCF-style: chr2-29445388-C-T.
Other names: c.3445G>A (NM_004304.4); c.241G>A, p.Val81Met (NM_001353765.2); short protein forms V1149M, V81M.
Identifiers: ClinVar variation 1961322 (VCV001961322.6), dbSNP rs1669832449, ClinGen allele CA346463586.